The following is an entry in ClinVar:

ClinVar aggregate classification (germline): Uncertain significance. Review status: criteria provided, multiple submitters, no conflicts (2 of 4 stars). 2 submissions from 2 submitters: Uncertain significance (2). Last evaluated 2025-05-06.

Conditions:
Baller-Gerold syndrome (BGS). Also called: CRANIOSYNOSTOSIS WITH RADIAL DEFECTS. Identifiers: Orphanet 1225, MedGen C0265308, MONDO:0009039, OMIM 218600.
Inborn genetic diseases. Identifiers: MedGen C0950123, MeSH D030342.

Submissions (2):

Ambry Genetics
Classification: Uncertain significance for Inborn genetic diseases. Last evaluated: 2025-05-06. Review status: criteria provided, single submitter. Criteria: Ambry Variant Classification Scheme 2023. Collection method: clinical testing. Allele origin: germline.
Comment: The p.Q218R variant (also known as c.653A>G), located in coding exon 5 of the RECQL4 gene, results from an A to G substitution at nucleotide position 653. The glutamine at codon 218 is replaced by arginine, an amino acid with highly similar properties. This amino acid position is conserved. In addition, this alteration is predicted to be tolerated by in silico analysis. Based on the available evidence, the clinical significance of this variant remains unclear.

Labcorp Genetics (formerly Invitae), Labcorp
Classification: Uncertain significance for Baller-Gerold syndrome. Last evaluated: 2024-12-24. Review status: criteria provided, single submitter. Criteria: Invitae Variant Classification Sherloc (09022015). Collection method: clinical testing. Allele origin: germline.
Comment: This sequence change replaces glutamine, which is neutral and polar, with arginine, which is basic and polar, at codon 218 of the RECQL4 protein (p.Gln218Arg). This variant is not present in population databases (gnomAD no frequency). This variant has not been reported in the literature in individuals affected with RECQL4-related conditions. ClinVar contains an entry for this variant (Variation ID: 970160). Invitae Evidence Modeling of protein sequence and biophysical properties (such as structural, functional, and spatial information, amino acid conservation, physicochemical variation, residue mobility, and thermodynamic stability) indicates that this missense variant is not expected to disrupt RECQL4 protein function with a negative predictive value of 80%. In summary, the available evidence is currently insufficient to determine the role of this variant in disease. Therefore, it has been classified as a Variant of Uncertain Significance.

NM_004260.4(RECQL4):c.653A>G (p.Gln218Arg)

Gene: RECQL4 (RecQ like helicase 4; minus strand). Cytogenetic location: 8q24.3.
Variant type: single nucleotide variant.
Coding change: c.653A>G on transcript NM_004260.4 (MANE Select); coding-DNA position 653, A replaced by G.
Protein change: p.Gln218Arg; replaces glutamine 218 with arginine.
Molecular consequence: missense variant.
Genome position (GRCh38, 1-based): chr8:144,516,466, T>C on the plus strand (A>G on the coding strand, the complement: RECQL4 is on the minus strand). VCF-style: chr8-144516466-T-C. GRCh37 (hg19) VCF-style: chr8-145741850-T-C.
Other names: short protein forms Q218R.
Identifiers: ClinVar variation 970160 (VCV000970160.8), dbSNP rs1815022318, ClinGen allele CA372689891.